The following is an entry in ClinVar:

NM_005235.3(ERBB4):c.1891C>T (p.His631Tyr)

Gene: ERBB4 (erb-b2 receptor tyrosine kinase 4; minus strand). Cytogenetic location: 2q34.
Variant type: single nucleotide variant.
Coding change: c.1891C>T on transcript NM_005235.3 (MANE Select); coding-DNA position 1891, C replaced by T.
Protein change: p.His631Tyr; replaces histidine 631 with tyrosine.
Molecular consequence: missense variant.
Genome position (GRCh38, 1-based): chr2:211,657,809, G>A on the plus strand (C>T on the coding strand, the complement: ERBB4 is on the minus strand). VCF-style: chr2-211657809-G-A. GRCh37 (hg19) VCF-style: chr2-212522534-G-A.
Other names: c.1891C>T, p.His631Tyr (NM_001042599.2); short protein forms H631Y.
Identifiers: ClinVar variation 2203253 (VCV002203253.4), dbSNP rs878927700, ClinGen allele CA65170485.

ClinVar aggregate classification (germline): Uncertain significance (1 of 4 stars; one submission).

Allele frequency attached by ClinVar (database versions not stated): gnomAD exomes below 0.00001; TOPMed 0.00001.
gnomAD v4.1: 6 of 1,613,800 alleles (0.00037%); highest among the groups gnomAD compares: Non-Finnish European, 0.00042%; no homozygotes.

Submission:

Labcorp Genetics (formerly Invitae), Labcorp
Classification: Uncertain significance. Last evaluated: 2022-10-27. Review status: criteria provided, single submitter. Criteria: Invitae Variant Classification Sherloc (09022015). Collection method: clinical testing. Allele origin: germline.
Comment: In summary, the available evidence is currently insufficient to determine the role of this variant in disease. Therefore, it has been classified as a Variant of Uncertain Significance. Advanced modeling of protein sequence and biophysical properties (such as structural, functional, and spatial information, amino acid conservation, physicochemical variation, residue mobility, and thermodynamic stability) performed at Invitae indicates that this missense variant is not expected to disrupt ERBB4 protein function. This variant has not been reported in the literature in individuals affected with ERBB4-related conditions. This variant is present in population databases (no rsID available, gnomAD 0.0009%). This sequence change replaces histidine, which is basic and polar, with tyrosine, which is neutral and polar, at codon 631 of the ERBB4 protein (p.His631Tyr).